The following is an entry in ClinVar:

NM_002185.5(IL7R):c.*470G>A

Gene: IL7R (interleukin 7 receptor; plus strand). Cytogenetic location: 5p13.2.
Variant type: single nucleotide variant.
Coding change: c.*470G>A on transcript NM_002185.5 (MANE Select); 470 bases downstream of the stop codon, G replaced by A.
Molecular consequence: 3 prime UTR variant. On other transcripts: non-coding transcript variant (1).
Genome position (GRCh38, 1-based): chr5:35,876,956, G>A. VCF-style: chr5-35876956-G-A. GRCh37 (hg19) VCF-style: chr5-35877058-G-A.
Other names: c.*967G>A (NM_001410734.1); c.*1365G>A (NM_001437963.1); c.*1348G>A (NM_001437964.1).
Identifiers: ClinVar variation 4881092 (VCV004881092.2).

ClinVar aggregate classification (germline): Uncertain significance (1 of 4 stars; one submission).

Submission:

Dasa
Classification: Uncertain significance. Last evaluated: 2025-09-26. Review status: criteria provided, single submitter. Criteria: DASA Assertion Criteria. Collection method: clinical testing. Allele origin: germline.
Comment: NM_002185.5(IL7R):c.*470G>A is a sequence variant. This variant is rare in population databases. The currently available literature and clinical evidence are not sufficient to establish a definitive association between this variant and the reported condition. Therefore, this variant is classified as a variant of uncertain significance.